The following is an entry in ClinVar:

ClinVar aggregate classification (germline): Benign (3 of 4 stars; one submission).

Conditions:
Breast-ovarian cancer, familial, susceptibility to, 2 (BROVCA2). Also called: BRCA2 Hereditary Breast and Ovarian Cancer. Identifiers: Orphanet 145, MedGen C2675520, MONDO:0012933, OMIM 612555. Disease mechanism: loss of function.

Allele frequency attached by ClinVar (database versions not stated): gnomAD 0.04122 and 0.04441; TOPMed 0.04591; 1000 Genomes Project 30x 0.07261; 1000 Genomes Project 0.07328.
gnomAD v4.1: 6,797 of 152,268 alleles (4.5%); highest among the groups gnomAD compares: Admixed American, 10%; 238 homozygotes.

Submission:

Evidence-based Network for the Interpretation of Germline Mutant Alleles (ENIGMA)
Classification: Benign for Breast-ovarian cancer, familial 2. Last evaluated: 2015-01-12. Review status: reviewed by expert panel. Criteria: ENIGMA BRCA1/2 Classification Criteria (2015). Collection method: curation. Allele origin: germline.
Comment: Class 1 not pathogenic based on frequency >1% in an outbred sampleset. Frequency 0.09441 (Asian), 0.01626 (African), 0.04749 (European), derived from 1000 genomes (2012-04-30).

NM_000059.4(BRCA2):c.67+641T>C

Gene: BRCA2 (BRCA2 DNA repair associated; plus strand). Cytogenetic location: 13q13.1.
Variant type: single nucleotide variant.
Coding change: c.67+641T>C on transcript NM_000059.4 (MANE Select); 641 bases into the intron after coding-DNA position 67, T replaced by C.
Molecular consequence: intron variant.
Genome position (GRCh38, 1-based): chr13:32,317,168, T>C. VCF-style: chr13-32317168-T-C. GRCh37 (hg19) VCF-style: chr13-32891305-T-C.
Other names: IVS 2+641T>C.
Identifiers: ClinVar variation 209605 (VCV000209605.1), dbSNP rs11571576, ClinGen allele CA276574.